The following is an entry in ClinVar:

NM_031220.4(PITPNM3):c.2688G>C (p.Lys896Asn)

Gene: PITPNM3 (PITPNM family member 3; minus strand). Cytogenetic location: 17p13.2.
Variant type: single nucleotide variant.
Coding change: c.2688G>C on transcript NM_031220.4 (MANE Select); coding-DNA position 2688, G replaced by C.
Protein change: p.Lys896Asn; replaces lysine 896 with asparagine.
Molecular consequence: missense variant.
Genome position (GRCh38, 1-based): chr17:6,455,575, C>G on the plus strand (G>C on the coding strand, the complement: PITPNM3 is on the minus strand). VCF-style: chr17-6455575-C-G. GRCh37 (hg19) VCF-style: chr17-6358895-C-G.
Other names: c.2580G>C, p.Lys860Asn (NM_001165966.2); short protein forms K860N, K896N.
Identifiers: ClinVar variation 1914839 (VCV001914839.5), dbSNP rs754611361, ClinGen allele CA8329049.
Genomic context (GRCh38, chr17:6,455,575, plus strand): 5'-GAACTCTGGCTGCGCGTGCAGCCCGAAGCTGCCCTTGCGCAGGATCATGCGCGAGTTGTT[C>G]TTCTTTGGGCGTGAGCGGTGGCTGGCCTCCAGCGCGGCCAGGTGTGCGGCGTAGCCCTCG-3'
Protein context (NP_112497.2, residues 886-906): LEASHRSRPK[Lys896Asn]NNSRMILRKG

ClinVar aggregate classification (germline): Uncertain significance (1 of 4 stars; one submission).

Allele frequency attached by ClinVar (database versions not stated): TOPMed 0.00001; ExAC 0.00002; gnomAD 0.00003.
gnomAD v4.1: 31 of 1,599,062 alleles (0.0019%); highest among the groups gnomAD compares: South Asian, 0.0044%; no homozygotes.

Submission:

Labcorp Genetics (formerly Invitae), Labcorp
Classification: Uncertain significance. Last evaluated: 2025-01-17. Review status: criteria provided, single submitter. Criteria: Invitae Variant Classification Sherloc (09022015). Collection method: clinical testing. Allele origin: germline.
Comment: This sequence change replaces lysine, which is basic and polar, with asparagine, which is neutral and polar, at codon 896 of the PITPNM3 protein (p.Lys896Asn). This variant is present in population databases (rs754611361, gnomAD 0.007%). This variant has not been reported in the literature in individuals affected with PITPNM3-related conditions. ClinVar contains an entry for this variant (Variation ID: 1914839). Invitae Evidence Modeling of protein sequence and biophysical properties (such as structural, functional, and spatial information, amino acid conservation, physicochemical variation, residue mobility, and thermodynamic stability) indicates that this missense variant is not expected to disrupt PITPNM3 protein function with a negative predictive value of 80%. In summary, the available evidence is currently insufficient to determine the role of this variant in disease. Therefore, it has been classified as a Variant of Uncertain Significance.